The following is an entry in ClinVar:

NM_014846.4(WASHC5):c.498G>A (p.Leu166=)

Gene: WASHC5 (WASH complex subunit 5; minus strand). Cytogenetic location: 8q24.13.
Variant type: single nucleotide variant.
Coding change: c.498G>A on transcript NM_014846.4 (MANE Select); coding-DNA position 498, G replaced by A.
Protein change: p.Leu166=; no amino-acid change (leucine 166 retained).
Molecular consequence: synonymous variant.
Genome position (GRCh38, 1-based): chr8:125,081,681, C>T on the plus strand (G>A on the coding strand, the complement: WASHC5 is on the minus strand). VCF-style: chr8-125081681-C-T. GRCh37 (hg19) VCF-style: chr8-126093923-C-T.
Other names: c.54G>A, p.Leu18= (NM_001330609.2).
Identifiers: ClinVar variation 670719 (VCV000670719.4), dbSNP rs1586388281, ClinGen allele CA462858812.
Genomic context (GRCh38, chr8:125,081,681, plus strand): 5'-ACAGCAGCGTTTCGGAAGTGTAGTCCTAGCCCAGGAATACCTGTATCGGTAGTAAGAAAC[C>T]AGCATCCTCTCTCTGACTTCTCCTTCAATCTTTTGGTCAATGACCAGTAGCATAACTCCA-3'
Protein context (NP_055661.3, residues 156-176): KIEGEVRERM[Leu166=]VSYYRYSAAR

ClinVar aggregate classification (germline): Likely benign. Review status: criteria provided, multiple submitters, no conflicts (2 of 4 stars). 2 submissions from 2 submitters: Likely benign (2). Last evaluated 2023-06-23.

Conditions:
Hereditary spastic paraplegia 8 (SPG8). Also called: SPASTIC PARAPLEGIA 8, AUTOSOMAL DOMINANT. Identifiers: Orphanet 100989, MedGen C1863704, MONDO:0011339, OMIM 603563.
Ritscher-Schinzel syndrome. Also called: CRANIOCEREBELLOCARDIAC DYSPLASIA. Identifiers: Orphanet 7, MedGen C0796137, MONDO:0019078.

Allele frequency attached by ClinVar (database versions not stated): gnomAD exomes below 0.00001.
gnomAD v4.1: 2 of 1,609,442 alleles (0.00012%); highest among the groups gnomAD compares: Non-Finnish European, 0.00017%; no homozygotes.

Submissions (2):

Labcorp Genetics (formerly Invitae), Labcorp
Classification: Likely benign for Ritscher-Schinzel syndrome; Hereditary spastic paraplegia 8. Last evaluated: 2023-06-23. Review status: criteria provided, single submitter. Criteria: Invitae Variant Classification Sherloc (09022015). Collection method: clinical testing. Allele origin: germline.

GeneDx
Classification: Likely benign. Last evaluated: 2018-06-06. Review status: criteria provided, single submitter. Criteria: GeneDx Variant Classification (06012015). Collection method: clinical testing. Allele origin: germline. Affected: yes.
Comment: This variant is considered likely benign or benign based on one or more of the following criteria: it is a conservative change, it occurs at a poorly conserved position in the protein, it is predicted to be benign by multiple in silico algorithms, and/or has population frequency not consistent with disease.